The following is an entry in ClinVar:

ClinVar aggregate classification (germline): Uncertain significance (1 of 4 stars; one submission).

Submission:

Labcorp Genetics (formerly Invitae), Labcorp
Classification: Uncertain significance. Last evaluated: 2024-07-30. Review status: criteria provided, single submitter. Criteria: Invitae Variant Classification Sherloc (09022015). Collection method: clinical testing. Allele origin: germline.
Comment: This sequence change replaces leucine, which is neutral and non-polar, with histidine, which is basic and polar, at codon 175 of the NTHL1 protein (p.Leu175His). This variant is not present in population databases (gnomAD no frequency). This variant has not been reported in the literature in individuals affected with NTHL1-related conditions. An algorithm developed to predict the effect of missense changes on protein structure and function (PolyPhen-2) suggests that this variant is likely to be disruptive. In summary, the available evidence is currently insufficient to determine the role of this variant in disease. Therefore, it has been classified as a Variant of Uncertain Significance.

NM_002528.7(NTHL1):c.500T>A (p.Leu167His)

Gene: NTHL1 (nth like DNA glycosylase 1; minus strand). Cytogenetic location: 16p13.3.
Variant type: single nucleotide variant.
Coding change: c.500T>A on transcript NM_002528.7 (MANE Select); coding-DNA position 500, T replaced by A.
Protein change: p.Leu167His; replaces leucine 167 with histidine.
Molecular consequence: missense variant. On other transcripts: intron variant (1).
Genome position (GRCh38, 1-based): chr16:2,044,655, A>T on the plus strand (T>A on the coding strand, the complement: NTHL1 is on the minus strand). VCF-style: chr16-2044655-A-T. GRCh37 (hg19) VCF-style: chr16-2094656-A-T.
Other names: c.170T>A, p.Leu57His (NM_001318194.2); c.355-929T>A (NM_001318193.2); short protein forms L167H, L57H.
Identifiers: ClinVar variation 3660932 (VCV003660932.2).